The following is an entry in ClinVar:

NM_004211.5(SLC6A5):c.1688G>A (p.Trp563Ter)

Gene: SLC6A5 (solute carrier family 6 member 5; plus strand). Cytogenetic location: 11p15.1.
Variant type: single nucleotide variant.
Coding change: c.1688G>A on transcript NM_004211.5 (MANE Select); coding-DNA position 1688, G replaced by A.
Protein change: p.Trp563Ter; replaces tryptophan 563 with a stop codon.
Molecular consequence: nonsense.
Genome position (GRCh38, 1-based): chr11:20,636,370, G>A. VCF-style: chr11-20636370-G-A. GRCh37 (hg19) VCF-style: chr11-20657916-G-A.
Other names: c.986G>A, p.Trp329Ter (NM_001318369.2); short protein forms W329*, W563*.
Identifiers: ClinVar variation 2632487 (VCV002632487.2), dbSNP rs1590174665, ClinGen allele CA379917939.

ClinVar aggregate classification (germline): Likely pathogenic (0 of 4 stars; one submission).

Conditions:
SLC6A5-related disorder. Also called: SLC6A5-related condition.

gnomAD v4.1: 1 of 1,613,924 alleles (0.000062%); highest among the groups gnomAD compares: Non-Finnish European, 0.000085%; no homozygotes.

Submission:

PreventionGenetics, part of Exact Sciences
Classification: Likely pathogenic for SLC6A5-related condition. Last evaluated: 2024-09-03. Review status: no assertion criteria provided. Collection method: clinical testing. Allele origin: germline.
Comment: The SLC6A5 c.1688G>A variant is predicted to result in premature protein termination (p.Trp563*). To our knowledge, this variant has not been reported in the literature or in a large population database, indicating this variant is rare. Nonsense variants in SLC6A5 are expected to be pathogenic. This variant is interpreted as likely pathogenic.